The following is an entry in ClinVar:

ClinVar aggregate classification (germline): Pathogenic (1 of 4 stars; one submission).

Conditions:
Osteogenesis imperfecta type 8 (OI8). Identifiers: MedGen C1970458, MONDO:0012581, OMIM 610915.

Submission:

Labcorp Genetics (formerly Invitae), Labcorp
Classification: Pathogenic for Osteogenesis imperfecta type 8. Last evaluated: 2023-11-15. Review status: criteria provided, single submitter. Criteria: Invitae Variant Classification Sherloc (09022015). Collection method: clinical testing. Allele origin: unknown.
Comment: This variant is a gross deletion of the genomic region encompassing exon(s) 9 of the P3H1 gene. This deletion is out-of-frame, and is expected to create a premature termination codon and result in an absent or disrupted protein product. Loss-of-function variants in P3H1 are known to be pathogenic (PMID: 17277775, 18566967, 19088120, 22281939). A similar copy number variant has been observed in individual(s) with osteogenesis imperfecta (PMID: 18566967). This variant is also known as c.1346-340 _1473+36del. For these reasons, this variant has been classified as Pathogenic.

Literature cited by the submitters: PubMed 17277775; PubMed 18566967; PubMed 19088120; PubMed 22281939.

NC_000001.10:g.(?_43218188)_(43218355_?)del

Gene: P3H1 (prolyl 3-hydroxylase 1; minus strand). Cytogenetic location: 1p34.2.
Variant type: Deletion.
Identifiers: ClinVar variation 3247785 (VCV003247785.1).